The following is an entry in ClinVar:

NM_001174089.2(SLC4A11):c.2470CTG[3] (p.Leu827del)

Gene: SLC4A11 (solute carrier family 4 member 11; minus strand). Cytogenetic location: 20p13.
Variant type: Microsatellite.
Coding change: c.2470CTG[3] on transcript NM_001174089.2 (MANE Select); three copies in a row of the 3-base unit CTG starting at c.2470; the reference has four copies in a row; one copy, 3 bases deleted.
Protein change: p.Leu827del; deletes leucine 827.
Molecular consequence: inframe deletion. On other transcripts: non-coding transcript variant (3).
Genome position (GRCh38, 1-based): chr20:3,228,336-3,228,338, CAG deleted on the plus strand (CTG on the coding strand, the reverse complement: SLC4A11 is on the minus strand); deleting any 3 consecutive bases within chr20:3,228,336-3,228,348 gives the same sequence; the position shown is the placement nearest the transcript's 3' end. VCF-style (leftmost placement, unchanged base first): chr20-3228335-ACAG-A. GRCh37 (hg19) VCF-style: chr20-3208981-ACAG-A.
Other names: c.2599CTG[3], p.Leu870del (NM_001174090.2); c.2356CTG[3], p.Leu789del (NM_001363745.2); c.2413CTG[3], p.Leu808del (NM_001400277.1, NM_001400278.1, NM_001400279.1); c.2485CTG[3], p.Leu832del (NM_001400280.1); c.2518CTG[3], p.Leu843del (NM_032034.4); short protein forms L789del, L808del, L827del, L832del, L843del, L870del.
Identifiers: ClinVar variation 4816315 (VCV004816315.1).

ClinVar aggregate classification (germline): Likely pathogenic (1 of 4 stars; one submission).

Conditions:
Corneal dystrophy-perceptive deafness syndrome (CDPD). Also called: CORNEAL DYSTROPHY AND SENSORINEURAL DEAFNESS; HARBOYAN SYNDROME. Identifiers: Orphanet 1490, MedGen C1857572, MONDO:0009015, OMIM 217400.

Submission:

Natera, Inc.
Classification: Likely pathogenic for Corneal dystrophy-perceptive deafness syndrome. Last evaluated: 2024-10-17. Review status: criteria provided, single submitter. Criteria: Natera Variant Classification Schema (03/2026). Collection method: clinical testing. Allele origin: germline.
Comment: The c.2527_2529delCTG variant in SLC4A11 is an in-frame deletion predicted to remove leucine at amino acid 843 while preserving the reading frame. This variant is rare in the general population with a frequency below the threshold expected for the associated phenotype(s). This variant has been observed in one or more individuals affected with the associated recessive disease, as either homozygous or compound heterozygous with a second variant (PMID: 31323090, 21203343). Additionally, this variant has been observed to segregate in affected family members (PMID: 21203343). This variant is observed in a repetitive region. Computational prediction algorithms indicate this variant is likely to affect gene or protein function. Given the available evidence, this variant is classified as Likely Pathogenic.

Literature cited by the submitters: PubMed 31323090; PubMed 21203343.